The following is an entry in ClinVar:

ClinVar aggregate classification (germline): Benign/Likely benign. Review status: criteria provided, multiple submitters, no conflicts (2 of 4 stars). 3 submissions from 2 submitters: Benign (1); Likely benign (2). Last evaluated 2017-04-27.

Conditions:
Neural tube defect (NTD). Also called: Neural tube defects. Identifiers: Orphanet 3388, Orphanet 823, MedGen C0027794, MONDO:0018075, HP:0045005.
Sacral defect with anterior meningocele. Identifiers: MedGen C1838568, OMIM 600145.

Allele frequency attached by ClinVar (database versions not stated): gnomAD exomes 0.00185; 1000 Genomes Project 0.00479; TOPMed 0.00529; 1000 Genomes Project 30x 0.00531; gnomAD 0.00794 and 0.00806.
gnomAD v4.1: 1,187 of 151,844 alleles (0.78%); highest among the groups gnomAD compares: Non-Finnish European, 0.94%; 11 homozygotes.

Submissions (3):

Illumina Laboratory Services, Illumina
Classification: Likely benign for Neural tube defects, susceptibility to. Last evaluated: 2017-04-27. Review status: criteria provided, single submitter. Criteria: ICSL Variant Classification Criteria 13 December 2019. Collection method: clinical testing. Allele origin: germline.
Comment: This variant was observed as part of a predisposition screen in an ostensibly healthy population. A literature search was performed for the gene, cDNA change, and amino acid change (where applicable). No publications were found based on this search. Allele frequency data from public databases allowed determination this variant is unlikely to cause disease. Therefore, this variant is classified as likely benign.

Illumina Laboratory Services, Illumina
Classification: Benign for Sacral defect with anterior meningocele. Last evaluated: 2017-04-27. Review status: criteria provided, single submitter. Criteria: ICSL Variant Classification Criteria 13 December 2019. Collection method: clinical testing. Allele origin: germline.
Comment: This variant was observed as part of a predisposition screen in an ostensibly healthy population. A literature search was performed for the gene, cDNA change, and amino acid change (where applicable). No publications were found based on this search. Allele frequency data from public databases was too high to be consistent with this variant causing disease. Therefore, this variant is classified as benign.

Breakthrough Genomics
Classification: Likely benign. Review status: criteria provided, single submitter. Criteria: ACMG Guidelines, 2015. Collection method: not provided. Allele origin: germline. Inheritance: Autosomal dominant inheritance. Affected: yes.

NM_138959.3(VANGL1):c.-239G>A

Gene: VANGL1 (VANGL planar cell polarity protein 1; plus strand). Cytogenetic location: 1p13.1.
Variant type: single nucleotide variant.
Coding change: c.-239G>A on transcript NM_138959.3 (MANE Select); 239 bases upstream of the start codon, G replaced by A.
Molecular consequence: 5 prime UTR variant.
Genome position (GRCh38, 1-based): chr1:115,641,985, G>A. VCF-style: chr1-115641985-G-A. GRCh37 (hg19) VCF-style: chr1-116184606-G-A.
Other names: c.-239G>A (NM_001172411.2).
Identifiers: ClinVar variation 874453 (VCV000874453.5), dbSNP rs563855412, ClinGen allele CA29603846.
Genomic context (GRCh38, chr1:115,641,985, plus strand): 5'-GGCTCGGGCTGCGGGGCGGCGCCGGGACAGGAAGCGGAAAGCAGCAGTGCAGCGGCGGCG[G>A]CGGCGGGGCTCTGCCTCTCCAGGAGCCCAGCGCAGGCCGCAGAGCCGGGGCCGCTGTGAG-3'